The following is an entry in ClinVar:

NM_006231.4(POLE):c.4178T>C (p.Met1393Thr)

Gene: POLE (DNA polymerase epsilon, catalytic subunit; minus strand). Cytogenetic location: 12q24.33.
Variant type: single nucleotide variant.
Coding change: c.4178T>C on transcript NM_006231.4 (MANE Select); coding-DNA position 4178, T replaced by C.
Protein change: p.Met1393Thr; replaces methionine 1393 with threonine.
Molecular consequence: missense variant.
Genome position (GRCh38, 1-based): chr12:132,643,949, A>G on the plus strand (T>C on the coding strand, the complement: POLE is on the minus strand). VCF-style: chr12-132643949-A-G. GRCh37 (hg19) VCF-style: chr12-133220535-A-G.
Other names: short protein forms M1393T.
Identifiers: ClinVar variation 3662205 (VCV003662205.2).

ClinVar aggregate classification (germline): Uncertain significance (1 of 4 stars; one submission).

Submission:

Labcorp Genetics (formerly Invitae), Labcorp
Classification: Uncertain significance. Last evaluated: 2024-08-13. Review status: criteria provided, single submitter. Criteria: Invitae Variant Classification Sherloc (09022015). Collection method: clinical testing. Allele origin: germline.
Comment: This sequence change replaces methionine, which is neutral and non-polar, with threonine, which is neutral and polar, at codon 1393 of the POLE protein (p.Met1393Thr). This variant is not present in population databases (gnomAD no frequency). This variant has not been reported in the literature in individuals affected with POLE-related conditions. Advanced modeling of protein sequence and biophysical properties (such as structural, functional, and spatial information, amino acid conservation, physicochemical variation, residue mobility, and thermodynamic stability) performed at Invitae indicates that this missense variant is not expected to disrupt POLE protein function with a negative predictive value of 80%. In summary, the available evidence is currently insufficient to determine the role of this variant in disease. Therefore, it has been classified as a Variant of Uncertain Significance.